The following is an entry in ClinVar:

NM_000178.4(GSS):c.352-15C>T

Gene: GSS (glutathione synthetase; minus strand). Cytogenetic location: 20q11.22.
Variant type: single nucleotide variant.
Coding change: c.352-15C>T on transcript NM_000178.4 (MANE Select); 15 bases into the intron before coding-DNA position 352, C replaced by T.
Molecular consequence: intron variant.
Genome position (GRCh38, 1-based): chr20:34,942,642, G>A on the plus strand (C>T on the coding strand, the complement: GSS is on the minus strand). VCF-style: chr20-34942642-G-A. GRCh37 (hg19) VCF-style: chr20-33530445-G-A.
Other names: c.352-15C>T (NM_001322494.1, NM_001322495.1).
Identifiers: ClinVar variation 3647470 (VCV003647470.3).

ClinVar aggregate classification (germline): Likely benign. Review status: criteria provided, multiple submitters, no conflicts (2 of 4 stars). 2 submissions from 2 submitters: Likely benign (2). Last evaluated 2025-07-22.

Conditions:
Glutathione synthetase deficiency with 5-oxoprolinuria. Also called: PYROGLUTAMIC ACIDURIA; 5-Oxoprolinuria; Gluthathione synthetase deficiency; 5-OXOPROLINURIA DUE TO GLUTATHIONE SYNTHETASE DEFICIENCY; Reduced glutathione synthetase level. Identifiers: Orphanet 289846, MedGen C0398746, MONDO:0009947, OMIM 266130, HP:0003343.

gnomAD v4.1: 1 of 1,613,768 alleles (0.000062%); no homozygotes.

Submissions (2):

Women's Health and Genetics/Laboratory Corporation of America, LabCorp
Classification: Likely benign. Last evaluated: 2025-07-22. Review status: criteria provided, single submitter. Criteria: LabCorp Variant Classification Summary - May 2015. Collection method: clinical testing. Allele origin: germline.
Comment: Variant summary: GSS c.352-15C>T alters a conserved nucleotide located at a position not widely known to affect splicing. Consensus agreement among computation tools predict no significant impact on normal splicing. However, these predictions have yet to be confirmed by functional studies. The variant was absent in 251172 control chromosomes. The available data on variant occurrences in the general population are insufficient to allow any conclusion about variant significance. To our knowledge, no occurrence of c.352-15C>T in individuals affected with Glutathione Synthetase Deficiency and no experimental evidence demonstrating its impact on protein function have been reported. ClinVar contains an entry for this variant (Variation ID: 3647470). Based on the evidence outlined above, the variant was classified as likely benign.

Labcorp Genetics (formerly Invitae), Labcorp
Classification: Likely benign for Glutathione synthetase deficiency with 5-oxoprolinuria. Last evaluated: 2024-04-03. Review status: criteria provided, single submitter. Criteria: Invitae Variant Classification Sherloc (09022015). Collection method: clinical testing. Allele origin: germline.